The following is an entry in ClinVar:

ClinVar aggregate classification (germline): Uncertain significance. Review status: criteria provided, multiple submitters, no conflicts (2 of 4 stars). 2 submissions from 2 submitters: Uncertain significance (2). Last evaluated 2024-07-12.

Conditions:
Ataxia-telangiectasia syndrome (AT). Also called: ATAXIA-TELANGIECTASIA, FRESNO VARIANT; Ataxia-telangiectasia, complementation group D; AT, COMPLEMENTATION GROUP C; Cerebello-oculocutaneous telangiectasia; Immunodeficiency with ataxia telangiectasia; Ataxia telangiectasia (A-T). Identifiers: Orphanet 100, MedGen C0004135, MONDO:0008840, OMIM 208900.
Hereditary cancer-predisposing syndrome. Also called: Hereditary neoplastic syndrome; Neoplastic Syndromes, Hereditary; Tumor predisposition; Hereditary Cancer Syndrome. Identifiers: Orphanet 140162, MedGen C0027672, MeSH D009386, MONDO:0015356.

Submissions (2):

Ambry Genetics
Classification: Uncertain significance for Hereditary cancer-predisposing syndrome. Last evaluated: 2024-07-12. Review status: criteria provided, single submitter. Criteria: Ambry Variant Classification Scheme 2023. Collection method: clinical testing. Allele origin: germline.
Comment: The c.1102_1107delCAATCT variant (also known as p.Q368_S369del) is located in coding exon 8 of the ATM gene. This variant results from an in-frame CAATCT deletion at nucleotide positions 1102 to 1107. This results in the in-frame deletion of the glutamine and serine residues at codons 368 to 369. These amino acid positions are well conserved in available vertebrate species. In addition, the in silico prediction for this alteration is inconclusive (Choi Y et al. PLoS ONE. 2012; 7(10):e46688). Based on the available evidence, the clinical significance of this variant remains unclear.

Labcorp Genetics (formerly Invitae), Labcorp
Classification: Uncertain significance for Ataxia-telangiectasia syndrome. Last evaluated: 2023-05-02. Review status: criteria provided, single submitter. Criteria: Invitae Variant Classification Sherloc (09022015). Collection method: clinical testing. Allele origin: germline.
Comment: In summary, the available evidence is currently insufficient to determine the role of this variant in disease. Therefore, it has been classified as a Variant of Uncertain Significance. Experimental studies and prediction algorithms are not available or were not evaluated, and the functional significance of this variant is currently unknown. ClinVar contains an entry for this variant (Variation ID: 1025017). This variant has not been reported in the literature in individuals affected with ATM-related conditions. This variant is not present in population databases (gnomAD no frequency). This variant, c.1102_1107del, results in the deletion of 2 amino acid(s) of the ATM protein (p.Gln368_Ser369del), but otherwise preserves the integrity of the reading frame.

NM_000051.4(ATM):c.1102_1107del (p.Gln368_Ser369del)

Gene: ATM (ATM serine/threonine kinase; plus strand). Cytogenetic location: 11q22.3.
Variant type: Deletion.
Coding change: c.1102_1107del on transcript NM_000051.4 (MANE Select); coding-DNA positions 1102 to 1107, 6 bases deleted (CAATCT; older notation c.1102_1107delCAATCT).
Protein change: p.Gln368_Ser369del.
Molecular consequence: inframe deletion.
Genome position (GRCh38, 1-based): chr11:108,248,969-108,248,974, CAATCT deleted; deleting any 6 consecutive bases within chr11:108,248,966-108,248,974 gives the same sequence; the c. name uses the placement nearest the transcript's 3' end. VCF-style (leftmost placement, unchanged base first): chr11-108248965-TTCTCAA-T. GRCh37 (hg19) VCF-style: chr11-108119692-TTCTCAA-T.
Other names: c.1102_1107del, p.Gln368_Ser369del (NM_001351834.2).
Identifiers: ClinVar variation 1025017 (VCV001025017.10), dbSNP rs2079990728, ClinGen allele CA1998769334.